The following is an entry in ClinVar:

ClinVar aggregate classification (germline): Uncertain significance (1 of 4 stars; one submission).

Submission:

Labcorp Genetics (formerly Invitae), Labcorp
Classification: Uncertain significance. Last evaluated: 2022-08-31. Review status: criteria provided, single submitter. Criteria: Invitae Variant Classification Sherloc (09022015). Collection method: clinical testing. Allele origin: germline.
Comment: This sequence change replaces histidine, which is basic and polar, with arginine, which is basic and polar, at codon 92 of the MYO7A protein (p.His92Arg). This variant is not present in population databases (gnomAD no frequency). This variant has not been reported in the literature in individuals affected with MYO7A-related conditions. Advanced modeling of protein sequence and biophysical properties (such as structural, functional, and spatial information, amino acid conservation, physicochemical variation, residue mobility, and thermodynamic stability) performed at Invitae indicates that this missense variant is not expected to disrupt MYO7A protein function. In summary, the available evidence is currently insufficient to determine the role of this variant in disease. Therefore, it has been classified as a Variant of Uncertain Significance.

NM_000260.4(MYO7A):c.275A>G (p.His92Arg)

Gene: MYO7A (myosin VIIA; plus strand). Cytogenetic location: 11q13.5.
Variant type: single nucleotide variant.
Coding change: c.275A>G on transcript NM_000260.4 (MANE Select); coding-DNA position 275, A replaced by G.
Protein change: p.His92Arg; replaces histidine 92 with arginine.
Molecular consequence: missense variant.
Genome position (GRCh38, 1-based): chr11:77,147,940, A>G. VCF-style: chr11-77147940-A-G. GRCh37 (hg19) VCF-style: chr11-76858986-A-G.
Other names: c.275A>G, p.His92Arg (NM_001127180.2); c.242A>G, p.His81Arg (NM_001369365.1); short protein forms H81R, H92R.
Identifiers: ClinVar variation 2086840 (VCV002086840.4), dbSNP rs2496578646, ClinGen allele CA381929404.